The following is an entry in ClinVar:

NM_000059.4(BRCA2):c.6568G>C (p.Val2190Leu)

Gene: BRCA2 (BRCA2 DNA repair associated; plus strand). Cytogenetic location: 13q13.1.
Variant type: single nucleotide variant.
Coding change: c.6568G>C on transcript NM_000059.4 (MANE Select); coding-DNA position 6568, G replaced by C.
Protein change: p.Val2190Leu; replaces valine 2190 with leucine.
Molecular consequence: missense variant.
Genome position (GRCh38, 1-based): chr13:32,340,923, G>C. VCF-style: chr13-32340923-G-C. GRCh37 (hg19) VCF-style: chr13-32915060-G-C.
Other names: c.6568G>C, p.Val2190Leu (NM_001406719.1, NM_001406720.1); short protein forms V2190L.
Identifiers: ClinVar variation 1754219 (VCV001754219.4), dbSNP rs80358888, ClinGen allele CA387789884.

ClinVar aggregate classification (germline): Conflicting classifications of pathogenicity. Review status: criteria provided, conflicting classifications (1 of 4 stars). 2 submissions from 2 submitters: Uncertain significance (1); Likely benign (1). Last evaluated 2023-03-23.

Conditions:
Hereditary cancer-predisposing syndrome. Also called: Neoplastic Syndromes, Hereditary; Tumor predisposition; Hereditary Cancer Syndrome; Hereditary neoplastic syndrome. Identifiers: Orphanet 140162, MedGen C0027672, MeSH D009386, MONDO:0015356.

Submissions (2):

University of Washington Department of Laboratory Medicine, University of Washington
Classification: Likely benign for Hereditary cancer-predisposing syndrome. Last evaluated: 2023-03-23. Review status: criteria provided, single submitter. Criteria: Dines et al. (Genet Med. 2020). Collection method: curation. Allele origin: germline.
Comment: Missense variant in a coldspot region where missense variants are very unlikely to be pathogenic (PMID:31911673).

BRCA2 exon 11 coldspot. Reclassification based on statistical prior probability.

Ambry Genetics
Classification: Uncertain significance for Hereditary cancer-predisposing syndrome. Last evaluated: 2022-08-22. Review status: criteria provided, single submitter. Criteria: Ambry Variant Classification Scheme 2023. Collection method: clinical testing. Allele origin: germline.
Comment: The p.V2190L variant (also known as c.6568G>C), located in coding exon 10 of the BRCA2 gene, results from a G to C substitution at nucleotide position 6568. The valine at codon 2190 is replaced by leucine, an amino acid with highly similar properties. This amino acid position is conserved. In addition, this alteration is predicted to be tolerated by in silico analysis. Since supporting evidence is limited at this time, the clinical significance of this alteration remains unclear.